The following is an entry in ClinVar:

ClinVar aggregate classification (germline): Uncertain significance. Review status: criteria provided, single submitter (1 of 4 stars). 3 submissions from 3 submitters: Uncertain significance (1). 2 of the submissions do not count toward it. Last evaluated 2025-04-04.

Conditions:
Deficiency of alpha-mannosidase (MANSA). Also called: LYSOSOMAL ALPHA-D-MANNOSIDASE DEFICIENCY; Mannosidosis, alpha-, types I and II; Alpha-Mannosidosis. Identifiers: Orphanet 61, MedGen C0024748, MONDO:0009561, OMIM 248500.

Allele frequency attached by ClinVar (database versions not stated): gnomAD 0.00001.
gnomAD v4.1: 1 of 1,613,928 alleles (0.000062%); no homozygotes.

Submissions (3):

Women's Health and Genetics/Laboratory Corporation of America, LabCorp
Classification: Uncertain significance. Last evaluated: 2025-04-04. Review status: criteria provided, single submitter. Criteria: LabCorp Variant Classification Summary - May 2015. Collection method: clinical testing. Allele origin: germline.
Comment: Variant summary: MAN2B1 c.475G>A (p.Asp159Asn) results in a conservative amino acid change in the encoded protein sequence. Four of five in-silico tools predict a damaging effect of the variant on protein function. The variant was absent in 250968 control chromosomes. c.475G>A has been reported in the literature in an individual affected with Alpha-Mannosidosis (Riise_2012). These data indicate that the variant may be associated with disease. At least one publication reports experimental evidence evaluating an impact on protein function, however, does not allow convincing conclusions about the variant effect (Kuokkanen_2011). The following publications have been ascertained in the context of this evaluation (PMID: 21505070, 22161967). ClinVar contains an entry for this variant (Variation ID: 208253). Based on the evidence outlined above, the variant was classified as VUS-possibly pathogenic.

Counsyl
Classification: Uncertain significance for Deficiency of alpha-mannosidase. Last evaluated: 2018-03-28. Review status: no assertion criteria provided. Collection method: clinical testing. Allele origin: unknown. Not counted in ClinVar's aggregate classification.

ClinVar Staff, National Center for Biotechnology Information (NCBI)
Classification: Uncertain significance for Deficiency of alpha-mannosidase. Last evaluated: 2012-06-07. Review status: no assertion criteria provided. Collection method: literature only. Allele origin: germline. Affected: yes. Not counted in ClinVar's aggregate classification.

Literature cited by the submitters: PubMed 22161967 (cited by 3 submitters); PubMed 21505070 (cited by Women's Health and Genetics/Laboratory Corporation of America, LabCorp and Counsyl).

NM_000528.4(MAN2B1):c.475G>A (p.Asp159Asn)

Gene: MAN2B1 (mannosidase alpha class 2B member 1; minus strand). Cytogenetic location: 19p13.13.
Variant type: single nucleotide variant.
Coding change: c.475G>A on transcript NM_000528.4 (MANE Select); coding-DNA position 475, G replaced by A.
Protein change: p.Asp159Asn; replaces aspartic acid 159 with asparagine.
Molecular consequence: missense variant.
Genome position (GRCh38, 1-based): chr19:12,664,947, C>T on the plus strand (G>A on the coding strand, the complement: MAN2B1 is on the minus strand). VCF-style: chr19-12664947-C-T. GRCh37 (hg19) VCF-style: chr19-12775761-C-T.
Other names: c.475G>A, p.Asp159Asn (NM_001173498.2); short protein forms D159N.
Identifiers: ClinVar variation 208253 (VCV000208253.3), dbSNP rs864621976, ClinGen allele CA350956.